The following is an entry in ClinVar:

ClinVar aggregate classification (germline): Likely pathogenic (1 of 4 stars; one submission).

Submission:

Labcorp Genetics (formerly Invitae), Labcorp
Classification: Likely pathogenic. Last evaluated: 2023-07-03. Review status: criteria provided, single submitter. Criteria: Invitae Variant Classification Sherloc (09022015). Collection method: clinical testing. Allele origin: germline.
Comment: This variant is not present in population databases (gnomAD no frequency). This sequence change affects a donor splice site in intron 21 of the PCDH15 gene. It is expected to disrupt RNA splicing. Variants that disrupt the donor or acceptor splice site typically lead to a loss of protein function (PMID: 16199547), and loss-of-function variants in PCDH15 are known to be pathogenic (PMID: 11398101, 11487575, 14570705). In summary, the currently available evidence indicates that the variant is pathogenic, but additional data are needed to prove that conclusively. Therefore, this variant has been classified as Likely Pathogenic. Algorithms developed to predict the effect of sequence changes on RNA splicing suggest that this variant may disrupt the consensus splice site. ClinVar contains an entry for this variant (Variation ID: 2125162). This variant has not been reported in the literature in individuals affected with PCDH15-related conditions.

Literature cited by the submitters: PubMed 16199547; PubMed 11398101; PubMed 11487575; PubMed 14570705.

NM_001384140.1(PCDH15):c.2868+2T>A

Gene: PCDH15 (protocadherin related 15; minus strand). Cytogenetic location: 10q21.1.
Variant type: single nucleotide variant.
Coding change: c.2868+2T>A on transcript NM_001384140.1 (MANE Select); the canonical splice donor site of the intron after coding-DNA position 2868, T replaced by A.
Molecular consequence: splice donor variant. On other transcripts: missense variant (1).
Genome position (GRCh38, 1-based): chr10:53,995,647, A>T on the plus strand (T>A on the coding strand, the complement: PCDH15 is on the minus strand). VCF-style: chr10-53995647-A-T. GRCh37 (hg19) VCF-style: chr10-55755407-A-T.
Other names: c.2870T>A, p.Val957Glu (NM_001354430.2); c.2868+2T>A (NM_001354420.2, NM_001354429.2, NM_001142772.2 and 4 more transcripts); c.2883+2T>A (NM_001142771.2, NM_001142763.2); c.2889+2T>A (NM_001354411.2); c.2904+2T>A (NM_001142769.3); c.2802+2T>A (NM_001354404.2, NM_001142773.2, NM_001142768.2); c.2757+2T>A (NM_001142767.2); c.2655+2T>A (NM_001142765.2); short protein forms V957E.
Identifiers: ClinVar variation 2125162 (VCV002125162.4), dbSNP rs2091798175, ClinGen allele CA376514894.